The following is an entry in ClinVar:

ClinVar aggregate classification (germline): Likely benign (1 of 4 stars; one submission).

Submission:

CeGaT Center for Human Genetics Tuebingen
Classification: Likely benign. Last evaluated: 2025-03-01. Review status: criteria provided, single submitter. Criteria: CeGaT Center For Human Genetics Tuebingen Variant Classification Criteria Version 2. Collection method: clinical testing. Allele origin: germline. Affected: yes. Observed: 1 variant allele.
Comment: CSPG4: BP4

NM_001897.5(CSPG4):c.4231G>A (p.Gly1411Arg)

Gene: CSPG4 (chondroitin sulfate proteoglycan 4; minus strand). Cytogenetic location: 15q24.2.
Variant type: single nucleotide variant.
Coding change: c.4231G>A on transcript NM_001897.5 (MANE Select); coding-DNA position 4231, G replaced by A.
Protein change: p.Gly1411Arg; replaces glycine 1411 with arginine.
Molecular consequence: missense variant.
Genome position (GRCh38, 1-based): chr15:75,685,260, C>T on the plus strand (G>A on the coding strand, the complement: CSPG4 is on the minus strand). VCF-style: chr15-75685260-C-T. GRCh37 (hg19) VCF-style: chr15-75977601-C-T.
Other names: short protein forms G1411R.
Identifiers: ClinVar variation 3778231 (VCV003778231.7).